The following is an entry in ClinVar:

NM_033305.3(VPS13A):c.2667+4G>A

Gene: VPS13A (vacuolar protein sorting 13 homolog A; plus strand). Cytogenetic location: 9q21.2.
Variant type: single nucleotide variant.
Coding change: c.2667+4G>A on transcript NM_033305.3 (MANE Select); 4 bases into the intron after coding-DNA position 2667, G replaced by A.
Molecular consequence: intron variant.
Genome position (GRCh38, 1-based): chr9:77,275,656, G>A. VCF-style: chr9-77275656-G-A. GRCh37 (hg19) VCF-style: chr9-79890572-G-A.
Other names: c.2667+4G>A (NM_001018037.2, NM_015186.4, NM_001018038.3).
Identifiers: ClinVar variation 912385 (VCV000912385.5), dbSNP rs748465954, ClinGen allele CA5091997.
Genomic context (GRCh38, chr9:77,275,656, plus strand): 5'-AAGCAGGATTGTTCAGTAAATATGACTACATTTAAAATAAGATTTGAAGTACCAAAGGTA[G>A]GTACTACGGTAAAATTAACATGGCTTAATTTGTTTGCTGTTTCTATATTTACAGCTTACT-3'

ClinVar aggregate classification (germline): Uncertain significance. Review status: criteria provided, multiple submitters, no conflicts (2 of 4 stars). 2 submissions from 2 submitters: Uncertain significance (2). Last evaluated 2021-09-16.

Conditions:
VPS13A-related neurodegenerative disease. Also called: VPS13A Disease; Choreaacanthocytosis; Chorea-acanthocytosis; LEVINE-CRITCHLEY SYNDROME; Choreoacanthocytosis; ACANTHOCYTOSIS WITH NEUROLOGIC DISORDER. Identifiers: Orphanet 2388, MedGen C0393576, MONDO:0008695, OMIM 200150.

Allele frequency attached by ClinVar (database versions not stated): gnomAD 0.00003; TOPMed 0.00004; gnomAD exomes 0.00005 and 0.00012; ExAC 0.00007.
gnomAD v4.1: 171 of 1,612,454 alleles (0.011%); highest among the groups gnomAD compares: Non-Finnish European, 0.014%; no homozygotes.

Submissions (2):

Labcorp Genetics (formerly Invitae), Labcorp
Classification: Uncertain significance. Last evaluated: 2021-09-16. Review status: criteria provided, single submitter. Criteria: Invitae Variant Classification Sherloc (09022015). Collection method: clinical testing. Allele origin: germline.
Comment: This sequence change falls in intron 25 of the VPS13A gene. It does not directly change the encoded amino acid sequence of the VPS13A protein, but it affects a nucleotide within the consensus splice site of the intron. This variant is present in population databases (rs748465954, ExAC 0.01%). This variant has not been reported in the literature in individuals with VPS13A-related conditions. Nucleotide substitutions within the consensus splice site are a relatively common cause of aberrant splicing (PMID: 17576681, 9536098). In summary, the available evidence is currently insufficient to determine the role of this variant in disease. Therefore, it has been classified as a Variant of Uncertain Significance.

Illumina Laboratory Services, Illumina
Classification: Uncertain significance for VPS13A-related neurodegenerative disease. Last evaluated: 2018-01-12. Review status: criteria provided, single submitter. Criteria: ICSL Variant Classification Criteria 13 December 2019. Collection method: clinical testing. Allele origin: germline.

Literature cited by the submitters: PubMed 17576681 (cited by Labcorp Genetics (formerly Invitae), Labcorp); PubMed 9536098 (cited by Labcorp Genetics (formerly Invitae), Labcorp).